The following is an entry in ClinVar:

ClinVar aggregate classification (germline): Uncertain significance. Review status: criteria provided, single submitter (1 of 4 stars). 2 submissions from 2 submitters: Uncertain significance (1). 1 of the submissions does not count toward it. Last evaluated 2024-07-01.

Conditions:
Aortic valve disease 2 (AOVD2). Identifiers: MedGen C3542024, MONDO:0013902, OMIM 614823.
Radioulnar synostosis. Also called: Congenital radioulnar synostosis. Identifiers: Orphanet 3269, MedGen C0158761, MONDO:0017985, HP:0002974.

Submissions (2):

Labcorp Genetics (formerly Invitae), Labcorp
Classification: Uncertain significance for Aortic valve disease 2. Last evaluated: 2024-07-01. Review status: criteria provided, single submitter. Criteria: Invitae Variant Classification Sherloc (09022015). Collection method: clinical testing. Allele origin: germline.
Comment: This sequence change results in a frameshift in the SMAD6 gene (p.Glu338Serfs*201). While this is not anticipated to result in nonsense mediated decay, it is expected to disrupt the last 159 amino acid(s) of the SMAD6 protein and extend the protein by 41 additional amino acid residues. This variant is not present in population databases (gnomAD no frequency). This frameshift has been observed in individual(s) with radioulnar synostosis (PMID: 34953066). This variant is also known as c.1010delG, p.W337fs. ClinVar contains an entry for this variant (Variation ID: 1174554). In summary, the available evidence is currently insufficient to determine the role of this variant in disease. Therefore, it has been classified as a Variant of Uncertain Significance.

The Laboratory of Genetics and Metabolism, Hunan Children’s Hospital
Classification: Pathogenic for Radioulnar synostosis. Last evaluated: 2020-06-20. Review status: no assertion criteria provided. Collection method: research. Allele origin: maternal. Affected: yes. Not counted in ClinVar's aggregate classification.

Literature cited by the submitters: PubMed 34953066 (cited by Labcorp Genetics (formerly Invitae), Labcorp).

NM_005585.5(SMAD6):c.1012del (p.Glu338fs)

Gene: SMAD6 (SMAD family member 6; plus strand). Cytogenetic location: 15q22.31.
Variant type: Deletion.
Coding change: c.1012del on transcript NM_005585.5 (MANE Select); coding-DNA position 1012, one base deleted (G; older notation c.1012delG).
Protein change: p.Glu338fs; shifts the reading frame from glutamic acid 338.
Molecular consequence: frameshift variant. On other transcripts: non-coding transcript variant (1).
Genome position (GRCh38, 1-based): chr15:66,781,056, G deleted; the last of 3 consecutive G bases (chr15:66,781,054-66,781,056); deleting any one gives the same sequence. VCF-style (leftmost placement, unchanged base first): chr15-66781053-TG-T. GRCh37 (hg19) VCF-style: chr15-67073391-TG-T.
Other names: c.1010delG (NM_005585.5); short protein forms E338fs.
Identifiers: ClinVar variation 1174554 (VCV001174554.4), dbSNP rs2140681173, ClinGen allele CA2573054088.